The following is an entry in ClinVar:

ClinVar aggregate classification (germline): Likely benign. Review status: criteria provided, multiple submitters, no conflicts (2 of 4 stars). 3 submissions from 3 submitters: Likely benign (3). Last evaluated 2025-10-08.

Conditions:
Muscular dystrophy-dystroglycanopathy type B6 (MDDGB6). Also called: MUSCULAR DYSTROPHY-DYSTROGLYCANOPATHY (CONGENITAL WITH IMPAIRED INTELLECTUAL DEVELOPMENT), TYPE B, 6; MUSCULAR DYSTROPHY, CONGENITAL, LARGE-RELATED; MUSCULAR DYSTROPHY, CONGENITAL, TYPE 1D. Identifiers: MedGen C1837229, MONDO:0012138, OMIM 608840.

gnomAD v4.1: 9 of 1,614,132 alleles (0.00056%); highest among the groups gnomAD compares: Non-Finnish European, 0.00068%; no homozygotes.

Submissions (3):

Mayo Clinic Laboratories, Mayo Clinic
Classification: Likely benign. Last evaluated: 2025-10-08. Review status: criteria provided, single submitter. Criteria: ACMG Guidelines, 2015. Collection method: clinical testing. Allele origin: germline. Observed: 1 variant allele.
Comment: BP4, BP7

Labcorp Genetics (formerly Invitae), Labcorp
Classification: Likely benign for Muscular dystrophy-dystroglycanopathy type B6. Last evaluated: 2024-09-09. Review status: criteria provided, single submitter. Criteria: Invitae Variant Classification Sherloc (09022015). Collection method: clinical testing. Allele origin: germline.

Blueprint Genetics
Classification: Likely benign. Last evaluated: 2022-08-24. Review status: criteria provided, single submitter. Criteria: ACMG Guidelines, 2015. Collection method: clinical testing. Allele origin: germline.

NM_133642.5(LARGE1):c.321C>T (p.Gly107=)

Gene: LARGE1 (LARGE xylosyl- and glucuronyltransferase 1; minus strand). Cytogenetic location: 22q12.3.
Variant type: single nucleotide variant.
Coding change: c.321C>T on transcript NM_133642.5 (MANE Select); coding-DNA position 321, C replaced by T.
Protein change: p.Gly107=; no amino-acid change (glycine 107 retained).
Molecular consequence: synonymous variant.
Genome position (GRCh38, 1-based): chr22:33,650,454, G>A on the plus strand (C>T on the coding strand, the complement: LARGE1 is on the minus strand). VCF-style: chr22-33650454-G-A. GRCh37 (hg19) VCF-style: chr22-34046440-G-A.
Other names: p.Gly107=; c.321C>T, p.Gly107= (NM_001362949.2, NM_001362951.2, NM_001362953.2 and 7 more transcripts); c.321C>T (NM_004737.6).
Identifiers: ClinVar variation 2062098 (VCV002062098.6), dbSNP rs776598184, ClinGen allele CA514478142.
Genomic context (GRCh38, chr22:33,650,454, plus strand): 5'-CCCACACTCGGAGCTGTTGCCTGCCACGATGCCAGCCCGAAGGTTCTCGCTGTCTCCAGT[G>A]CCCTCCTCCATGGAGTAGGTCTTGGAGTGGTTGCCTCGGCGATGGGATGGGGCTCGGCCC-3'
Protein context (NP_598397.1, residues 97-117): NHSKTYSMEE[Gly107=]TGDSENLRAG